The following is an entry in ClinVar:

ClinVar aggregate classification (germline): Pathogenic. Review status: criteria provided, multiple submitters, no conflicts (2 of 4 stars). 6 submissions from 6 submitters: Pathogenic (5). 1 of the submissions does not count toward it. Last evaluated 2026-06-19.

Conditions:
PKHD1-related disorder. Also called: PKHD1-related condition.
Autosomal recessive polycystic kidney disease (ARPKD). Also called: AR polycystic kidney disease. Identifiers: Orphanet 731, Orphanet 8378, MedGen C0085548, MeSH D017044, MONDO:0009889.

Allele frequency attached by ClinVar (database versions not stated): gnomAD exomes below 0.00001; gnomAD 0.00001; TOPMed 0.00001.

Submissions (6):

PreventionGenetics, part of Exact Sciences
Classification: Pathogenic for PKHD1-related condition. Last evaluated: 2026-06-19. Review status: criteria provided, single submitter. Criteria: ACMG Guidelines, 2015. Collection method: clinical testing. Allele origin: germline.
Comment: The PKHD1 c.1458C>A variant is predicted to result in premature protein termination (p.Tyr486*). This variant has been reported in the homozygous or compound heterozygous state in individuals with polycystic kidney disease (Gunay-Aygun et al. 2010. PubMed ID: 19914852; Gunay-Aygun et al. 2011. PubMed ID: 21945273). This variant has not been reported in a large population database (gnomAD), indicating this variant is rare. Nonsense variants in PKHD1 are expected to be pathogenic. This variant is interpreted as pathogenic.

Women's Health and Genetics/Laboratory Corporation of America, LabCorp
Classification: Pathogenic for Autosomal recessive polycystic kidney disease. Last evaluated: 2026-01-08. Review status: criteria provided, single submitter. Criteria: LabCorp Variant Classification Summary - May 2015. Collection method: clinical testing. Allele origin: germline.
Comment: Variant summary: PKHD1 c.1458C>A (p.Tyr486X) results in a premature termination codon, predicted to cause a truncation of the encoded protein or absence of the protein due to nonsense mediated decay, which are commonly known mechanisms for disease. Truncations downstream of this position have been classified as pathogenic by our laboratory. The variant was absent in 251268 control chromosomes. c.1458C>A has been observed in individuals affected with Polycystic Kidney and Hepatic Disease (Gunay-Aygun_2010, Gunay-Aygun_2011). The following publications have been ascertained in the context of this evaluation (PMID: 20413436, 19914852, 21945273). ClinVar contains an entry for this variant (Variation ID: 189171). Based on the evidence outlined above, the variant was classified as pathogenic.

Natera, Inc.
Classification: Pathogenic for Autosomal recessive polycystic kidney disease. Last evaluated: 2025-12-22. Review status: criteria provided, single submitter. Criteria: Natera Variant Classification Schema (03/2026). Collection method: clinical testing. Allele origin: germline.
Comment: The c.1458C>A variant in PKHD1 is a nonsense variant predicted to introduce a stop codon at amino acid 486. This variant is expected to result in nonsense mediated decay, truncation, or a dysfunctional protein product. This variant is rare in the general population with a frequency below the threshold expected for the associated phenotype(s). This variant has been observed in one or more individuals affected with the associated recessive disease, as either homozygous or compound heterozygous with a second variant (PMID: 19914852). Given the available evidence, this variant is classified as Pathogenic.

Labcorp Genetics (formerly Invitae), Labcorp
Classification: Pathogenic for Autosomal recessive polycystic kidney disease. Last evaluated: 2023-01-07. Review status: criteria provided, single submitter. Criteria: Invitae Variant Classification Sherloc (09022015). Collection method: clinical testing. Allele origin: germline.
Comment: This premature translational stop signal has been observed in individual(s) with polycystic kidney disease (PMID: 19914852). For these reasons, this variant has been classified as Pathogenic. ClinVar contains an entry for this variant (Variation ID: 189171). This variant is present in population databases (rs786204749, gnomAD 0.0009%). This sequence change creates a premature translational stop signal (p.Tyr486*) in the PKHD1 gene. It is expected to result in an absent or disrupted protein product. Loss-of-function variants in PKHD1 are known to be pathogenic (PMID: 19940839).

Baylor Genetics
Classification: Pathogenic for Polycystic kidney disease 4. Review status: criteria provided, single submitter. Criteria: ACMG Guidelines, 2015. Collection method: clinical testing. Allele origin: germline.

Counsyl
Classification: Likely pathogenic for Polycystic kidney disease, infantile type. Last evaluated: 2015-02-03. Review status: no assertion criteria provided. Collection method: literature only. Allele origin: unknown. Inheritance: Autosomal recessive inheritance. Not counted in ClinVar's aggregate classification.

Literature cited by the submitters: PubMed 20413436 (cited by Women's Health and Genetics/Laboratory Corporation of America, LabCorp); PubMed 19914852 (cited by 4 submitters); PubMed 21945273 (cited by Women's Health and Genetics/Laboratory Corporation of America, LabCorp and Counsyl); PubMed 19940839 (cited by Labcorp Genetics (formerly Invitae), Labcorp).

NM_138694.4(PKHD1):c.1458C>A (p.Tyr486Ter)

Gene: PKHD1 (PKHD1 ciliary IPT domain containing fibrocystin/polyductin; minus strand). Cytogenetic location: 6p12.2.
Variant type: single nucleotide variant.
Coding change: c.1458C>A on transcript NM_138694.4 (MANE Select); coding-DNA position 1458, C replaced by A.
Protein change: p.Tyr486Ter; replaces tyrosine 486 with a stop codon.
Molecular consequence: nonsense.
Genome position (GRCh38, 1-based): chr6:52,058,377, G>T on the plus strand (C>A on the coding strand, the complement: PKHD1 is on the minus strand). VCF-style: chr6-52058377-G-T. GRCh37 (hg19) VCF-style: chr6-51923175-G-T.
Other names: c.1458C>A, p.Tyr486Ter (NM_170724.3); c.1458C>A (NM_170724.2); short protein forms Y486*.
Identifiers: ClinVar variation 189171 (VCV000189171.22), dbSNP rs786204749, ClinGen allele CA274453.